The following is an entry in ClinVar:

ClinVar aggregate classification (germline): Pathogenic (3 of 4 stars; one submission).

Conditions:
Breast-ovarian cancer, familial, susceptibility to, 2 (BROVCA2). Also called: BRCA2 Hereditary Breast and Ovarian Cancer. Identifiers: Orphanet 145, MedGen C2675520, MONDO:0012933, OMIM 612555. Disease mechanism: loss of function.

Submission:

Evidence-based Network for the Interpretation of Germline Mutant Alleles (ENIGMA)
Classification: Pathogenic for Breast-ovarian cancer, familial, susceptibility to, 2. Last evaluated: 2016-10-18. Review status: reviewed by expert panel. Criteria: ENIGMA BRCA1/2 Classification Criteria (2015). Collection method: curation. Allele origin: germline.
Comment: Variant allele predicted to encode a truncated non-functional protein.

NM_000059.4(BRCA2):c.3546del (p.Phe1182fs)

Gene: BRCA2 (BRCA2 DNA repair associated; plus strand). Cytogenetic location: 13q13.1.
Variant type: Deletion.
Coding change: c.3546del on transcript NM_000059.4 (MANE Select); coding-DNA position 3546, one base deleted (T; older notation c.3546delT).
Protein change: p.Phe1182fs; shifts the reading frame from phenylalanine 1182.
Molecular consequence: frameshift variant.
Genome position (GRCh38, 1-based): chr13:32,337,901, T deleted; the last of 3 consecutive T bases (chr13:32,337,899-32,337,901); deleting any one gives the same sequence. VCF-style (leftmost placement, unchanged base first): chr13-32337898-AT-A. GRCh37 (hg19) VCF-style: chr13-32912035-AT-A.
Other names: 3773delT; short protein forms F1182fs.
Identifiers: ClinVar variation 266758 (VCV000266758.3), dbSNP rs80359388, ClinGen allele CA10589210.